The following is an entry in ClinVar:

NM_014491.4(FOXP2):c.1177A>T (p.Ile393Leu)

Gene: FOXP2 (forkhead box P2; plus strand). Cytogenetic location: 7q31.1.
Variant type: single nucleotide variant.
Coding change: c.1177A>T on transcript NM_014491.4 (MANE Select); coding-DNA position 1177, A replaced by T.
Protein change: p.Ile393Leu; replaces isoleucine 393 with leucine.
Molecular consequence: missense variant. On other transcripts: non-coding transcript variant (2).
Genome position (GRCh38, 1-based): chr7:114,652,285, A>T. VCF-style: chr7-114652285-A-T. GRCh37 (hg19) VCF-style: chr7-114292340-A-T.
Other names: c.1174A>T, p.Ile392Leu (NM_001172766.3); c.1252A>T, p.Ile418Leu (NM_001172767.2, NM_148898.4); c.1177A>T, p.Ile393Leu (NM_148899.3); c.1228A>T, p.Ile410Leu (NM_148900.4); short protein forms I392L, I393L, I410L, I418L.
Identifiers: ClinVar variation 3907911 (VCV003907911.1).
Genomic context (GRCh38, chr7:114,652,285, plus strand): 5'-TTGGATGACCGAAGCACTGCTCAGTGTCGAGTGCAAATGCAGGTGGTGCAACAGTTAGAA[A>T]TACAGGTTTGTTAAATGCTCACTTAATGGACTCTTCTTAGATTTCTGGTGTGTTACATTG-3'
Protein context (NP_055306.1, residues 383-403): VQMQVVQQLE[Ile393Leu]QLSKERERLQ

ClinVar aggregate classification (germline): Uncertain significance (1 of 4 stars; one submission).

Submission:

GeneDx
Classification: Uncertain significance. Last evaluated: 2024-12-26. Review status: criteria provided, single submitter. Criteria: GeneDx Variant Classification Process June 2021. Collection method: clinical testing. Allele origin: germline. Affected: yes.
Comment: Not observed at significant frequency in large population cohorts (gnomAD); In silico analysis indicates that this missense variant does not alter protein structure/function; Has not been previously published as pathogenic or benign to our knowledge